The following is an entry in ClinVar:

ClinVar aggregate classification (germline): Likely benign. Review status: criteria provided, multiple submitters, no conflicts (2 of 4 stars). 4 submissions from 4 submitters: Likely benign (4). Last evaluated 2024-09-23.

Conditions:
Familial hypercholesterolemia. Also called: Familial hypercholesterolemias; Familial hypercholesterolaemia. Identifiers: MedGen C0020445, MONDO:0005439.
Cardiovascular phenotype. Identifiers: MedGen CN230736.
Hypercholesterolemia, autosomal dominant, 3 (FHCL3). Also called: Familial hypercholesterolemia 3; Familial Hypercholesterolemia, Autosomal Dominant, 3; PCSK9-Related Familial Hypercholesterolemia, Autosomal Dominant. Identifiers: MedGen C1863551, MONDO:0011369, OMIM 603776.

Allele frequency attached by ClinVar (database versions not stated): gnomAD 0.00002; TOPMed 0.00002.
gnomAD v4.1: 21 of 1,610,600 alleles (0.0013%); highest among the groups gnomAD compares: Non-Finnish European, 0.0017%; no homozygotes.

Submissions (4):

All of Us Research Program, National Institutes of Health
Classification: Likely benign for Hypercholesterolemia, autosomal dominant, 3. Last evaluated: 2024-09-23. Review status: criteria provided, single submitter. Criteria: ACMG Guidelines, 2015. Collection method: clinical testing. Allele origin: germline. Inheritance: Autosomal dominant inheritance. Observed: 7 variant alleles, 7 heterozygotes.
Comment: This study involves interpretation of variants in research participants for the purpose of population health screening. Participant phenotype was not available at the time of variant classification. Additional details can be found in publication PMID: 35346344, PMCID: PMC8962531

Labcorp Genetics (formerly Invitae), Labcorp
Classification: Likely benign for Hypercholesterolemia, autosomal dominant, 3. Last evaluated: 2024-09-12. Review status: criteria provided, single submitter. Criteria: Invitae Variant Classification Sherloc (09022015). Collection method: clinical testing. Allele origin: germline.

Ambry Genetics
Classification: Likely benign for Cardiovascular phenotype. Last evaluated: 2021-05-15. Review status: criteria provided, single submitter. Criteria: Ambry Variant Classification Scheme 2023. Collection method: clinical testing. Allele origin: germline.

Color Diagnostics, LLC DBA Color Health
Classification: Likely benign for Familial hypercholesterolemia. Last evaluated: 2019-01-20. Review status: criteria provided, single submitter. Criteria: ACMG Guidelines, 2015. Collection method: clinical testing. Allele origin: germline.

NM_174936.4(PCSK9):c.1735C>T (p.Leu579=)

Gene: PCSK9 (proprotein convertase subtilisin/kexin type 9; plus strand). Cytogenetic location: 1p32.3.
Variant type: single nucleotide variant.
Coding change: c.1735C>T on transcript NM_174936.4 (MANE Select); coding-DNA position 1735, C replaced by T.
Protein change: p.Leu579=; no amino-acid change (leucine 579 retained).
Molecular consequence: synonymous variant. On other transcripts: non-coding transcript variant (8).
Genome position (GRCh38, 1-based): chr1:55,061,428, C>T. VCF-style: chr1-55061428-C-T. GRCh37 (hg19) VCF-style: chr1-55527101-C-T.
Other names: c.1858C>T, p.Leu620= (NM_001407240.1); c.1777C>T, p.Leu593= (NM_001407241.1); c.1738C>T, p.Leu580= (NM_001407242.1); c.1678C>T, p.Leu560= (NM_001407243.1); c.1561C>T, p.Leu521= (NM_001407244.1); c.1543C>T, p.Leu515= (NM_001407245.1); c.1360C>T, p.Leu454= (NM_001407246.1); c.1234C>T, p.Leu412= (NM_001407247.1).
Identifiers: ClinVar variation 923236 (VCV000923236.15), dbSNP rs751217094, ClinGen allele CA417960506.
Genomic context (GRCh38, chr1:55,061,428, plus strand): 5'-GCCCCAGGCTGCAGCTCCCACTGGGAGGTGGAGGACCTTGGCACCCACAAGCCGCCTGTG[C>T]TGAGGCCACGAGGTCAGCCCAACCAGTGCGTGGGCCACAGGGAGGCCAGCATCCACGCTT-3'
Protein context (NP_777596.2, residues 569-589): EDLGTHKPPV[Leu579=]RPRGQPNQCV